The following is an entry in ClinVar:

ClinVar aggregate classification (germline): Conflicting classifications of pathogenicity. Review status: criteria provided, conflicting classifications (1 of 4 stars). 5 submissions from 5 submitters: Pathogenic (1); Uncertain significance (4). Last evaluated 2025-08-21.

Conditions:
Maturity-onset diabetes of the young type 3. Also called: MODY type 3; MODY, type III. Identifiers: Orphanet 552, MedGen C1838100, MeSH C563933, MONDO:0010894, OMIM 600496. Disease mechanism: loss of function.
Maturity-onset diabetes of the young (MODY). Also called: Maturity onset diabetes mellitus in young. Identifiers: Orphanet 552, MedGen C0342276, MONDO:0018911, HP:0004904.

Allele frequency attached by ClinVar (database versions not stated): TOPMed below 0.00001; gnomAD 0.00001.
gnomAD v4.1: 4 of 1,613,970 alleles (0.00025%); highest among the groups gnomAD compares: Non-Finnish European, 0.00034%; no homozygotes.

Submissions (5):

Labcorp Genetics (formerly Invitae), Labcorp
Classification: Pathogenic. Last evaluated: 2025-08-21. Review status: criteria provided, single submitter. Criteria: Invitae Variant Classification Sherloc (09022015). Collection method: clinical testing. Allele origin: germline.
Comment: This sequence change replaces glutamic acid, which is acidic and polar, with lysine, which is basic and polar, at codon 619 of the HNF1A protein (p.Glu619Lys). This variant is not present in population databases (gnomAD no frequency). This missense change has been observed in individuals with clinical features of maturity-onset diabetes of the young (PMID: 9626139, 33046911, 37396188). It has also been observed to segregate with disease in related individuals. ClinVar contains an entry for this variant (Variation ID: 972764). Invitae Evidence Modeling of protein sequence and biophysical properties (such as structural, functional, and spatial information, amino acid conservation, physicochemical variation, residue mobility, and thermodynamic stability) indicates that this missense variant is expected to disrupt HNF1A protein function with a positive predictive value of 95%. Experimental studies are conflicting or provide insufficient evidence to determine the effect of this variant on HNF1A function (PMID: 37396188). For these reasons, this variant has been classified as Pathogenic.

3billion
Classification: Uncertain significance for Maturity-onset diabetes of the young type 3. Last evaluated: 2022-03-22. Review status: criteria provided, single submitter. Criteria: ACMG Guidelines, 2015. Collection method: clinical testing. Allele origin: germline. Affected: yes. Observed: 1 heterozygote.
Comment: Same nucleotide change resulting in same amino acid change has been previously reported to be associated with HNF1A related disorder (PMID:9626139). It is not observed in the gnomAD v2.1.1 dataset. In silico tool predictions suggest damaging effect of the variant on gene or gene product (REVEL: 0.616>=0.6). Therefore, this variant is classified as uncertain significance according to the recommendation of ACMG/AMP guideline.

Broad Center for Mendelian Genomics, Broad Institute of MIT and Harvard
Classification: Uncertain significance for Maturity-onset diabetes of the young type 3. Last evaluated: 2020-01-22. Review status: criteria provided, single submitter. Criteria: ACMG Guidelines, 2015. Collection method: curation. Allele origin: germline. Inheritance: Autosomal dominant inheritance.
Comment: The p.Glu619Lys variant in HNF1A has been reported in 4 diabetic individuals without MODY confirmation (PMID: 9626139), and was absent from large population studies. Computational prediction tools and conservation analyses do not provide strong support for or against an impact to the protein. In summary, while there is some suspicion for a pathogenic role, the clinical significance of this variant is uncertain. ACMG/AMP Criteria applied: PM2 (Richards 2015).

Seattle Children's Hospital Molecular Genetics Laboratory, Seattle Children's Hospital
Classification: Uncertain significance. Last evaluated: 2019-06-06. Review status: criteria provided, single submitter. Criteria: ACMG Guidelines, 2015. Collection method: clinical testing. Allele origin: germline. Affected: yes. Clinical features observed: Diabetes mellitus (HP:0000819).
Comment: This substitution replaces the glutamic acid for lysine at amino acid position 619 of the protein. This variant has not been observed in large population cohorts (absent from 250,922 alleles; GnomAD v2.1 chr12:121438954). The nucleotide position is conserved between species and in silico tools have conflicting predictions about the possible impact of the p.Glu619Lys substitution on protein function (DANN, FATHMM, SIFT, MetaSVM, LRT - damaging; Provean, MutationAssessor - tolerated). This variant has been reported to segregate in a family with type 2 diabetes (PMID: 9626139). In that family, three affected siblings inherited the variant from their father. Importantly, the mother of these siblings also had diabetes but did not possess this HNF1A variant. Many of the individuals in this family were obese, and the onset of diabetes was considerably older than in most MODY families (PMID: 9626139). Thus, there may have been other factors contributing to the diabetes in this family other than this HNF1A variant (PMID: 9626139)

Ambry Genetics
Classification: Uncertain significance for Maturity-onset diabetes of the young. Last evaluated: 2018-09-13. Review status: criteria provided, single submitter. Criteria: Ambry Variant Classification Scheme 2023. Collection method: clinical testing. Allele origin: germline.
Comment: The p.E619K variant (also known as c.1855G>A), located in coding exon 10 of the HNF1A gene, results from a G to A substitution at nucleotide position 1855. The glutamic acid at codon 619 is replaced by lysine, an amino acid with similar properties. This variant was identified in 4 individuals with diabetes in one family, diagnosed between ages 25 and 49 years old; it was absent from 4 additional family members with diabetes or impaired glucose tolerance (Elbein SC et al. J. Clin. Endocrinol. Metab., 1998 Jun;83:2059-65). This amino acid position is well conserved in available vertebrate species. In addition, this alteration is predicted to be deleterious by in silico analysis. Based on available evidence to date, the clinical significance of this alteration remains unclear.

Literature cited by the submitters: PubMed 9626139 (cited by 3 submitters); PubMed 33046911 (cited by Labcorp Genetics (formerly Invitae), Labcorp); PubMed 37396188 (cited by Labcorp Genetics (formerly Invitae), Labcorp).

NM_000545.8(HNF1A):c.1855G>A (p.Glu619Lys)

Genes: C12orf43 (chromosome 12 open reading frame 43; minus strand), HNF1A (HNF1 homeobox A; plus strand). Cytogenetic location: 12q24.31.
Variant type: single nucleotide variant.
Coding change: c.1855G>A on transcript NM_000545.8 (MANE Select); coding-DNA position 1855, G replaced by A.
Protein change: p.Glu619Lys; replaces glutamic acid 619 with lysine.
Molecular consequence: missense variant. On other transcripts: 3 prime UTR variant (3).
Genome position (GRCh38, 1-based): chr12:121,001,151, G>A. VCF-style: chr12-121001151-G-A. GRCh37 (hg19) VCF-style: chr12-121438954-G-A.
Other names: c.*3002C>T (NM_001286191.2, NM_001286196.2, NM_022895.3); c.1876G>A, p.Glu626Lys (NM_001306179.2); c.1663G>A, p.Glu555Lys (NM_001406915.1); short protein forms E619K, E626K, E555K.
Identifiers: ClinVar variation 972764 (VCV000972764.11), dbSNP rs1316999782, ClinGen allele CA386941201.
Genomic context (GRCh38, chr12:121,001,151, plus strand): 5'-CAGAGCTCAGACTCCAGCAATGGCCAGAGCCACCTGCTGCCATCCAACCACAGCGTCATC[G>A]AGACCTTCATCTCCACCCAGATGGCCTCTTCCTCCCAGTAACCACGGCACCTGGGCCCTG-3'
Protein context (NP_000536.6, residues 609-629): HLLPSNHSVI[Glu619Lys]TFISTQMASS